The following is an entry in ClinVar:

ClinVar aggregate classification (germline): Conflicting classifications of pathogenicity. Review status: criteria provided, conflicting classifications (1 of 4 stars). 2 submissions from 2 submitters: Likely pathogenic (1); Uncertain significance (1). Last evaluated 2024-12-27.

Conditions:
Neuronopathy, distal hereditary motor, autosomal recessive 4. Also called: Autosomal recessive lower motor neuron disease with childhood onset; NEUROPATHY, DISTAL HEREDITARY MOTOR, AUTOSOMAL RECESSIVE 4. Identifiers: Orphanet 206580, MedGen C1970211, MONDO:0012608, OMIM 611067.

Submissions (2):

GeneDx
Classification: Likely pathogenic. Last evaluated: 2024-12-27. Review status: criteria provided, single submitter. Criteria: GeneDx Variant Classification Process June 2021. Collection method: clinical testing. Allele origin: germline. Affected: yes.
Comment: Not observed at significant frequency in large population cohorts (gnomAD); Frameshift variant predicted to result in protein truncation or nonsense mediated decay in a region of a gene for which loss of function is not a well-established mechanism of disease; Reported using an alternate transcript of the gene; This variant is associated with the following publications: (PMID: 38374194, 33220101)

Kariminejad - Najmabadi Pathology & Genetics Center
Classification: Uncertain significance for Neuronopathy, distal hereditary motor, autosomal recessive 4. Last evaluated: 2021-09-16. Review status: criteria provided, single submitter. Criteria: ACMG Guidelines, 2015. Collection method: clinical testing. Allele origin: germline. Inheritance: Autosomal recessive inheritance. Affected: yes. Observed: 2 variant alleles.
Comment: PM2

NM_001265592.2(PLEKHG5):c.-42_-38del

Gene: PLEKHG5 (pleckstrin homology and RhoGEF domain containing G5; minus strand). Cytogenetic location: 1p36.31.
Variant type: Deletion.
Coding change: c.-42_-38del on transcript NM_001265592.2; 42 bases upstream of the start codon through 38 bases upstream of the start codon, 5 bases deleted (CCCGC; older notation c.-42_-38delCCCGC).
Molecular consequence: 5 prime UTR variant.
Genome position (GRCh38, 1-based): chr1:6,496,554-6,496,558, GCGGG deleted on the plus strand (CCCGC on the coding strand, the reverse complement: PLEKHG5 is on the minus strand); deleting any 5 consecutive bases within chr1:6,496,554-6,496,560 gives the same sequence; the c. name uses the placement nearest the transcript's 3' end. VCF-style (leftmost placement, unchanged base first): chr1-6496553-AGCGGG-A. GRCh37 (hg19) VCF-style: chr1-6556613-AGCGGG-A.
Other names: c.-42_-38del (NM_001042663.3); c.-153_-149del (NM_198681.4); c.-42_-38delCCCGC (NM_001265592.2).
Identifiers: ClinVar variation 3897004 (VCV003897004.1).
Genomic context (GRCh38, chr1:6,496,553, plus strand): 5'-CTTGGCCGCCCGCCCCTTGTCCATGCAGGCGGGGTTCTGACAGCGCAGTCCCTTCTTTTC[AGCGGG>A]GCTCTGGTCGTCTGCAGGGGAGGAGCAGAGGGCATCAGTCAGCGGGGCACCCAGGCTCCC-3'